The following is an entry in ClinVar:

ClinVar aggregate classification (germline): Uncertain significance (1 of 4 stars; one submission).

Submission:

Labcorp Genetics (formerly Invitae), Labcorp
Classification: Uncertain significance. Last evaluated: 2022-10-31. Review status: criteria provided, single submitter. Criteria: Invitae Variant Classification Sherloc (09022015). Collection method: clinical testing. Allele origin: germline.
Comment: Advanced modeling of protein sequence and biophysical properties (such as structural, functional, and spatial information, amino acid conservation, physicochemical variation, residue mobility, and thermodynamic stability) performed at Invitae indicates that this missense variant is expected to disrupt FAT4 protein function. In summary, the available evidence is currently insufficient to determine the role of this variant in disease. Therefore, it has been classified as a Variant of Uncertain Significance. This variant has not been reported in the literature in individuals affected with FAT4-related conditions. This variant is not present in population databases (gnomAD no frequency). This sequence change replaces asparagine, which is neutral and polar, with isoleucine, which is neutral and non-polar, at codon 935 of the FAT4 protein (p.Asn935Ile).

NM_001291303.3(FAT4):c.2804A>T (p.Asn935Ile)

Gene: FAT4 (FAT atypical cadherin 4; plus strand). Cytogenetic location: 4q28.1.
Variant type: single nucleotide variant.
Coding change: c.2804A>T on transcript NM_001291303.3 (MANE Select); coding-DNA position 2804, A replaced by T.
Protein change: p.Asn935Ile; replaces asparagine 935 with isoleucine.
Molecular consequence: missense variant.
Genome position (GRCh38, 1-based): chr4:125,319,215, A>T. VCF-style: chr4-125319215-A-T. GRCh37 (hg19) VCF-style: chr4-126240370-A-T.
Other names: c.2804A>T, p.Asn935Ile (NM_001291285.3, NM_024582.6); short protein forms N935I.
Identifiers: ClinVar variation 2104719 (VCV002104719.4), dbSNP rs2530438427, ClinGen allele CA358121141.